The following is an entry in ClinVar:

ClinVar aggregate classification (germline): Benign (1 of 4 stars; one submission).

Allele frequency attached by ClinVar (database versions not stated): 1000 Genomes Project 30x 0.07527; 1000 Genomes Project 0.07528; TOPMed 0.10188; gnomAD 0.10358 and 0.10559.
gnomAD v4.1: 15,767 of 152,010 alleles (10%); highest among the groups gnomAD compares: Middle Eastern, 12%; 867 homozygotes.

Submission:

GeneDx
Classification: Benign. Last evaluated: 2018-06-14. Review status: criteria provided, single submitter. Criteria: GeneDx Variant Classification (06012015). Collection method: clinical testing. Allele origin: germline. Affected: yes.
Comment: This variant is considered likely benign or benign based on one or more of the following criteria: it is a conservative change, it occurs at a poorly conserved position in the protein, it is predicted to be benign by multiple in silico algorithms, and/or has population frequency not consistent with disease.

NM_002474.3(MYH11):c.346-292T>G

Gene: MYH11 (myosin heavy chain 11; minus strand). Cytogenetic location: 16p13.11.
Variant type: single nucleotide variant.
Coding change: c.346-292T>G on transcript NM_002474.3 (MANE Select); 292 bases into the intron before coding-DNA position 346, T replaced by G.
Molecular consequence: intron variant.
Genome position (GRCh38, 1-based): chr16:15,823,703, A>C on the plus strand (T>G on the coding strand, the complement: MYH11 is on the minus strand). VCF-style: chr16-15823703-A-C. GRCh37 (hg19) VCF-style: chr16-15917560-A-C.
Other names: c.346-292T>G (NM_022844.3, NM_001040114.2, NM_001040113.2).
Identifiers: ClinVar variation 680649 (VCV000680649.1), dbSNP rs62031666, ClinGen allele CA16519665.